The following is an entry in ClinVar:

ClinVar aggregate classification (germline): Uncertain significance. Review status: criteria provided, multiple submitters, no conflicts (2 of 4 stars). 2 submissions from 2 submitters: Uncertain significance (2). Last evaluated 2025-05-18.

Conditions:
Inborn genetic diseases. Identifiers: MedGen C0950123, MeSH D030342.

Allele frequency attached by ClinVar (database versions not stated): gnomAD exomes 0.00002; 1000 Genomes Project 30x 0.00016; 1000 Genomes Project 0.00020; ExAC 0.00007; gnomAD 0.00006.
gnomAD v4.1: 47 of 1,614,020 alleles (0.0029%); highest among the groups gnomAD compares: South Asian, 0.048%; 1 homozygote.

Submissions (2):

Ambry Genetics
Classification: Uncertain significance for Inborn genetic diseases. Last evaluated: 2025-05-18. Review status: criteria provided, single submitter. Criteria: Ambry Variant Classification Scheme 2023. Collection method: clinical testing. Allele origin: germline.

Labcorp Genetics (formerly Invitae), Labcorp
Classification: Uncertain significance. Last evaluated: 2022-04-08. Review status: criteria provided, single submitter. Criteria: Invitae Variant Classification Sherloc (09022015). Collection method: clinical testing. Allele origin: germline.
Comment: This sequence change replaces methionine, which is neutral and non-polar, with arginine, which is basic and polar, at codon 232 of the CDH23 protein (p.Met232Arg). This variant is present in population databases (rs551858055, gnomAD 0.03%). This variant has not been reported in the literature in individuals affected with CDH23-related conditions. Algorithms developed to predict the effect of missense changes on protein structure and function are either unavailable or do not agree on the potential impact of this missense change (SIFT: "Deleterious"; PolyPhen-2: "Not Available"; Align-GVGD: "Class C0"). In summary, the available evidence is currently insufficient to determine the role of this variant in disease. Therefore, it has been classified as a Variant of Uncertain Significance.

NM_022124.6(CDH23):c.695T>G (p.Met232Arg)

Gene: CDH23 (cadherin related 23; plus strand). Cytogenetic location: 10q22.1.
Variant type: single nucleotide variant.
Coding change: c.695T>G on transcript NM_022124.6 (MANE Select); coding-DNA position 695, T replaced by G.
Protein change: p.Met232Arg; replaces methionine 232 with arginine.
Molecular consequence: missense variant.
Genome position (GRCh38, 1-based): chr10:71,570,860, T>G. VCF-style: chr10-71570860-T-G. GRCh37 (hg19) VCF-style: chr10-73330617-T-G.
Other names: c.695T>G, p.Met232Arg (NM_001171930.2, NM_001171931.2, NM_001171932.2 and 1 more transcripts); c.695T>G (NM_022124.5); short protein forms M232R.
Identifiers: ClinVar variation 2141920 (VCV002141920.2), dbSNP rs551858055, ClinGen allele CA5543518.